The following is an entry in ClinVar:

NM_000203.5(IDUA):c.316G>C (p.Gly106Arg)

Gene: IDUA (alpha-L-iduronidase; plus strand). Cytogenetic location: 4p16.3.
Variant type: single nucleotide variant.
Coding change: c.316G>C on transcript NM_000203.5 (MANE Select); coding-DNA position 316, G replaced by C.
Protein change: p.Gly106Arg; replaces glycine 106 with arginine.
Molecular consequence: missense variant. On other transcripts: 5 prime UTR variant (1), non-coding transcript variant (1).
Genome position (GRCh38, 1-based): chr4:1,000,628, G>C. VCF-style: chr4-1000628-G-C. GRCh37 (hg19) VCF-style: chr4-994416-G-C.
Other names: c.-81G>C (NM_001363576.1); short protein forms G106R.
Identifiers: ClinVar variation 2144798 (VCV002144798.1), dbSNP rs574025652, ClinGen allele CA2801872.

ClinVar aggregate classification (germline): Uncertain significance (1 of 4 stars; one submission).

Conditions:
Mucopolysaccharidosis type 1. Also called: IDUA deficiency; MPS I. Identifiers: Orphanet 579, MedGen C0023786, MONDO:0001586.

gnomAD v4.1: 27 of 1,612,640 alleles (0.0017%); highest among the groups gnomAD compares: South Asian, 0.024%; no homozygotes.

Submission:

Labcorp Genetics (formerly Invitae), Labcorp
Classification: Uncertain significance for Mucopolysaccharidosis type 1. Last evaluated: 2022-07-19. Review status: criteria provided, single submitter. Criteria: Invitae Variant Classification Sherloc (09022015). Collection method: clinical testing. Allele origin: germline.
Comment: This sequence change replaces glycine, which is neutral and non-polar, with arginine, which is basic and polar, at codon 106 of the IDUA protein (p.Gly106Arg). This variant is present in population databases (rs574025652, gnomAD 0.03%). This variant has not been reported in the literature in individuals affected with IDUA-related conditions. Algorithms developed to predict the effect of missense changes on protein structure and function output the following: SIFT: "Deleterious"; PolyPhen-2: "Benign"; Align-GVGD: "Class C15". The arginine amino acid residue is found in multiple mammalian species, which suggests that this missense change does not adversely affect protein function. In summary, the available evidence is currently insufficient to determine the role of this variant in disease. Therefore, it has been classified as a Variant of Uncertain Significance.